The following is an entry in ClinVar:

NM_004456.5(EZH2):c.1574A>G (p.Tyr525Cys)

Gene: EZH2 (enhancer of zeste 2 polycomb repressive complex 2 subunit; minus strand). Cytogenetic location: 7q36.1.
Variant type: single nucleotide variant.
Coding change: c.1574A>G on transcript NM_004456.5 (MANE Select); coding-DNA position 1574, A replaced by G.
Protein change: p.Tyr525Cys; replaces tyrosine 525 with cysteine.
Molecular consequence: missense variant. On other transcripts: intron variant (1).
Genome position (GRCh38, 1-based): chr7:148,815,012, T>C on the plus strand (A>G on the coding strand, the complement: EZH2 is on the minus strand). VCF-style: chr7-148815012-T-C. GRCh37 (hg19) VCF-style: chr7-148512104-T-C.
Other names: c.1559A>G, p.Tyr520Cys (NM_001203247.2); c.1532A>G, p.Tyr511Cys (NM_001203248.2); c.1442A>G, p.Tyr481Cys (NM_152998.3); c.1504+494A>G (NM_001203249.2); short protein forms Y525C, Y511C, Y520C, Y481C.
Identifiers: ClinVar variation 2095057 (VCV002095057.6), dbSNP rs2536530632, ClinGen allele CA369713909.

ClinVar aggregate classification (germline): Uncertain significance. Review status: criteria provided, multiple submitters, no conflicts (2 of 4 stars). 2 submissions from 2 submitters: Uncertain significance (2). Last evaluated 2026-09-18.

Conditions:
Weaver syndrome (WVS). Also called: Weaver Smith syndrome; Overgrowth syndrome with accelerated skeletal maturation, unusual facies, and camptodactyly. Identifiers: Orphanet 3447, MedGen C0265210, MONDO:0010193, OMIM 277590.

Allele frequency attached by ClinVar (database versions not stated): gnomAD exomes below 0.00001.
gnomAD v4.1: 1 of 1,614,132 alleles (0.000062%); highest among the groups gnomAD compares: Non-Finnish European, 0.000085%; no homozygotes.

Submissions (2):

GeneDx
Classification: Uncertain significance. Last evaluated: 2026-09-18. Review status: criteria provided, single submitter. Criteria: GeneDx Variant Classification Process June 2021. Collection method: clinical testing. Allele origin: germline.
Comment: Not observed at significant frequency in large population cohorts (gnomAD); In silico analysis supports that this missense variant has a deleterious effect on protein structure/function; Has not been previously published as pathogenic or benign to our knowledge

Labcorp Genetics (formerly Invitae), Labcorp
Classification: Uncertain significance for Weaver syndrome. Last evaluated: 2022-04-20. Review status: criteria provided, single submitter. Criteria: Invitae Variant Classification Sherloc (09022015). Collection method: clinical testing. Allele origin: germline.
Comment: In summary, the available evidence is currently insufficient to determine the role of this variant in disease. Therefore, it has been classified as a Variant of Uncertain Significance. Algorithms developed to predict the effect of missense changes on protein structure and function are either unavailable or do not agree on the potential impact of this missense change (SIFT: "Tolerated"; PolyPhen-2: "Probably Damaging"; Align-GVGD: "Class C0"). This variant has not been reported in the literature in individuals affected with EZH2-related conditions. This variant is not present in population databases (gnomAD no frequency). This sequence change replaces tyrosine, which is neutral and polar, with cysteine, which is neutral and slightly polar, at codon 525 of the EZH2 protein (p.Tyr525Cys).